The following is an entry in ClinVar:

NM_001999.4(FBN2):c.879C>G (p.Ile293Met)

Gene: FBN2 (fibrillin 2; minus strand). Cytogenetic location: 5q23.3.
Variant type: single nucleotide variant.
Coding change: c.879C>G on transcript NM_001999.4 (MANE Select); coding-DNA position 879, C replaced by G.
Protein change: p.Ile293Met; replaces isoleucine 293 with methionine.
Molecular consequence: missense variant.
Genome position (GRCh38, 1-based): chr5:128,446,554, G>C on the plus strand (C>G on the coding strand, the complement: FBN2 is on the minus strand). VCF-style: chr5-128446554-G-C. GRCh37 (hg19) VCF-style: chr5-127782247-G-C.
Other names: short protein forms I293M.
Identifiers: ClinVar variation 618126 (VCV000618126.8), dbSNP rs1180679857, ClinGen allele CA360752037.
Genomic context (GRCh38, chr5:128,446,554, plus strand): 5'-AGTAGTTTCACTCTGTTTGTGACCAGCAGGGCATCTGCATTCAAAAGAGCCCACTGTATT[G>C]ATACAGTTTCCTCCTTGGCATATCCCTGGGATAGCCTGGCATTCATCAACATCTGCAAGA-3'
Protein context (NP_001990.2, residues 283-303): IPGICQGGNC[Ile293Met]NTVGSFECRC

ClinVar aggregate classification (germline): Uncertain significance (1 of 4 stars; one submission).

Submission:

ARUP Laboratories, Molecular Genetics and Genomics, ARUP Laboratories
Classification: Uncertain significance. Last evaluated: 2018-02-02. Review status: criteria provided, single submitter. Criteria: ARUP Molecular Germline Variant Investigation Process. Collection method: clinical testing. Allele origin: germline.
Comment: The FBN2 c.879C>G; p.Ile293Met variant, to our knowledge, is not reported in the medical literature, gene specific variation databases, nor has it been previously identified by our laboratory. This variant is absent from the general population databases (1000 Genomes Project, Exome Variant Server, Genome Aggregation Database), indicating it is not a common polymorphism. The isoleucine at position 293 is moderately conserved, considering 11 species, and computational analyses of the effects of the p.Ile293Met variant on protein structure and function make conflicting predictions (SIFT: tolerated, PolyPhen-2: possibly damaging). Based on the available information, the clinical significance of the p.Ile293Met variant cannot be determined with certainty.